The following is an entry in ClinVar:

NM_006231.4(POLE):c.469T>C (p.Phe157Leu)

Gene: POLE (DNA polymerase epsilon, catalytic subunit; minus strand). Cytogenetic location: 12q24.33.
Variant type: single nucleotide variant.
Coding change: c.469T>C on transcript NM_006231.4 (MANE Select); coding-DNA position 469, T replaced by C.
Protein change: p.Phe157Leu; replaces phenylalanine 157 with leucine.
Molecular consequence: missense variant.
Genome position (GRCh38, 1-based): chr12:132,679,606, A>G on the plus strand (T>C on the coding strand, the complement: POLE is on the minus strand). VCF-style: chr12-132679606-A-G. GRCh37 (hg19) VCF-style: chr12-133256192-A-G.
Other names: short protein forms F157L.
Identifiers: ClinVar variation 1037463 (VCV001037463.12), dbSNP rs762506074, ClinGen allele CA6894306.

ClinVar aggregate classification (germline): Uncertain significance. Review status: criteria provided, multiple submitters, no conflicts (2 of 4 stars). 2 submissions from 2 submitters: Uncertain significance (2). Last evaluated 2025-05-21.

Conditions:
Hereditary cancer-predisposing syndrome. Also called: Neoplastic Syndromes, Hereditary; Hereditary Cancer Syndrome; Tumor predisposition; Hereditary neoplastic syndrome. Identifiers: Orphanet 140162, MedGen C0027672, MeSH D009386, MONDO:0015356.

Allele frequency attached by ClinVar (database versions not stated): gnomAD exomes below 0.00001; ExAC 0.00001.
gnomAD v4.1: 2 of 1,613,532 alleles (0.00012%); highest among the groups gnomAD compares: Middle Eastern, 0.016%; no homozygotes.

Submissions (2):

Labcorp Genetics (formerly Invitae), Labcorp
Classification: Uncertain significance. Last evaluated: 2025-05-21. Review status: criteria provided, single submitter. Criteria: Invitae Variant Classification Sherloc (09022015). Collection method: clinical testing. Allele origin: germline.
Comment: This sequence change replaces phenylalanine, which is neutral and non-polar, with leucine, which is neutral and non-polar, at codon 157 of the POLE protein (p.Phe157Leu). This variant is present in population databases (rs762506074, gnomAD 0.01%). This variant has not been reported in the literature in individuals affected with POLE-related conditions. ClinVar contains an entry for this variant (Variation ID: 1037463). Invitae Evidence Modeling of protein sequence and biophysical properties (such as structural, functional, and spatial information, amino acid conservation, physicochemical variation, residue mobility, and thermodynamic stability) indicates that this missense variant is expected to disrupt POLE protein function with a positive predictive value of 80%. In summary, the available evidence is currently insufficient to determine the role of this variant in disease. Therefore, it has been classified as a Variant of Uncertain Significance.

Ambry Genetics
Classification: Uncertain significance for Hereditary cancer-predisposing syndrome. Last evaluated: 2024-03-21. Review status: criteria provided, single submitter. Criteria: Ambry Variant Classification Scheme 2023. Collection method: clinical testing. Allele origin: germline.
Comment: The p.F157L variant (also known as c.469T>C), located in coding exon 6 of the POLE gene, results from a T to C substitution at nucleotide position 469. The phenylalanine at codon 157 is replaced by leucine, an amino acid with highly similar properties. This amino acid position is conserved. In addition, the in silico prediction for this alteration is inconclusive. Since supporting evidence is limited at this time, the clinical significance of this alteration remains unclear.